The following is an entry in ClinVar:

NM_023110.3(FGFR1):c.*723G>C

Genes: FGFR1 (fibroblast growth factor receptor 1; minus strand), LOC102723716 (uncharacterized LOC102723716; minus strand). Cytogenetic location: 8p11.23.
Variant type: single nucleotide variant.
Coding change: c.*723G>C on transcript NM_023110.3 (MANE Select); 723 bases downstream of the stop codon, G replaced by C.
Molecular consequence: 3 prime UTR variant. On other transcripts: intron variant (3).
Genome position (GRCh38, 1-based): chr8:38,412,905, C>G on the plus strand (G>C on the coding strand, the complement: FGFR1 is on the minus strand). VCF-style: chr8-38412905-C-G. GRCh37 (hg19) VCF-style: chr8-38270423-C-G.
Other names: c.*723G>C (NM_001174063.2, NM_001174064.2, NM_001174065.2 and 6 more transcripts); c.2020-310G>C (NM_001354370.2); c.2287-310G>C (NM_001354367.2); c.2281-310G>C (NM_001354369.2).
Identifiers: ClinVar variation 362881 (VCV000362881.5), dbSNP rs17182477, ClinGen allele CA10625386.
Genomic context (GRCh38, chr8:38,412,905, plus strand): 5'-TCCTTTTTTTTCTTTTTTGTTTTTAATATATAGCAACTGATGCCTCCCAGCCACCAGGAG[C>G]ATCTTACCCGATGGGTAAATCTCTGGTAACGACCCTTTTAAAAAGACATGTAAATATATA-3'

ClinVar aggregate classification (germline): Benign. Review status: criteria provided, single submitter (1 of 4 stars). 4 submissions from 1 submitter: Benign (4). Last evaluated 2018-01-12.

Conditions:
Trigonocephaly 1 (TRIGNO1). Identifiers: Orphanet 3366, MedGen C0432122, MONDO:0008603, OMIM 190440.
Craniosynostosis syndrome. Also called: Craniosynostosis. Identifiers: Orphanet 1531, MedGen C0010278, MeSH D003398, MONDO:0015469, HP:0001363.
Osteoglophonic dysplasia (OGD). Also called: Osteoglophonic dwarfism. Identifiers: Orphanet 2645, MedGen C0432283, MONDO:0008150, OMIM 166250.
Hypogonadotropic hypogonadism 2 with or without anosmia (HH2). Also called: HYPOGONADOTROPIC HYPOGONADISM 2 WITH OR WITHOUT ANOSMIA, SUSCEPTIBILITY TO; HYPOGONADOTROPIC HYPOGONADISM 2 WITHOUT ANOSMIA, SUSCEPTIBILITY TO; FGFR1-Related GnRH Deficiency (Kallmann Syndrome 2); HYPOGONADOTROPIC HYPOGONADISM 2 WITHOUT ANOSMIA. Identifiers: Orphanet 478, MedGen C1563720, MONDO:0007844, OMIM 147950. Disease mechanism: loss of function.

Allele frequency attached by ClinVar (database versions not stated): gnomAD exomes 0.00046; gnomAD 0.00207 and 0.00220; 1000 Genomes Project 0.00220; TOPMed 0.00252; 1000 Genomes Project 30x 0.00297.
gnomAD v4.1: 354 of 233,608 alleles (0.15%); highest among the groups gnomAD compares: African/African-American, 0.68%; no homozygotes.

Submissions (4):

Illumina Laboratory Services, Illumina
Classification: Benign for Craniosynostosis. Last evaluated: 2018-01-12. Review status: criteria provided, single submitter. Criteria: ICSL Variant Classification Criteria 13 December 2019. Collection method: clinical testing. Allele origin: germline.
Comment: This variant was observed in the ICSL laboratory as part of a predisposition screen in an ostensibly healthy population. It had not been previously curated by ICSL or reported in the Human Gene Mutation Database (HGMD: prior to June 1st, 2018), and was therefore a candidate for classification through an automated scoring system. Utilizing variant allele frequency, disease prevalence and penetrance estimates, and inheritance mode, an automated score was calculated to assess if this variant is too frequent to cause the disease. Based on the score and internal cut-off values, a variant classified as benign is not then subjected to further curation. The score for this variant resulted in a classification of benign for this disease.

Illumina Laboratory Services, Illumina
Classification: Benign for Trigonocephaly 1. Last evaluated: 2018-01-12. Review status: criteria provided, single submitter. Criteria: ICSL Variant Classification Criteria 13 December 2019. Collection method: clinical testing. Allele origin: germline.
Comment: the same text as in the submission from Illumina Laboratory Services, Illumina above.

Illumina Laboratory Services, Illumina
Classification: Benign for Hypogonadotropic hypogonadism 2 with or without anosmia. Last evaluated: 2018-01-12. Review status: criteria provided, single submitter. Criteria: ICSL Variant Classification Criteria 13 December 2019. Collection method: clinical testing. Allele origin: germline.
Comment: the same text as in the submission from Illumina Laboratory Services, Illumina above.

Illumina Laboratory Services, Illumina
Classification: Benign for Osteoglophonic dysplasia. Last evaluated: 2018-01-12. Review status: criteria provided, single submitter. Criteria: ICSL Variant Classification Criteria 13 December 2019. Collection method: clinical testing. Allele origin: germline.
Comment: the same text as in the submission from Illumina Laboratory Services, Illumina above.